The following is an entry in ClinVar:

ClinVar aggregate classification (germline): Uncertain significance (1 of 4 stars; one submission).

Submission:

GeneDx
Classification: Uncertain significance. Last evaluated: 2026-04-15. Review status: criteria provided, single submitter. Criteria: GeneDx Variant Classification Process June 2021. Collection method: clinical testing. Allele origin: germline.
Comment: Not observed at significant frequency in large population cohorts (gnomAD); In silico analysis supports that this missense variant has a deleterious effect on protein structure/function; Has not been previously published as pathogenic or benign to our knowledge

NM_001694.4(ATP6V0C):c.75C>A (p.Phe25Leu)

Gene: ATP6V0C (ATPase H+ transporting V0 subunit c; plus strand). Cytogenetic location: 16p13.3.
Variant type: single nucleotide variant.
Coding change: c.75C>A on transcript NM_001694.4 (MANE Select); coding-DNA position 75, C replaced by A.
Protein change: p.Phe25Leu; replaces phenylalanine 25 with leucine.
Molecular consequence: missense variant.
Genome position (GRCh38, 1-based): chr16:2,514,178, C>A. VCF-style: chr16-2514178-C-A. GRCh37 (hg19) VCF-style: chr16-2564179-C-A.
Other names: c.75C>A, p.Phe25Leu (NM_001198569.2); short protein forms F25L.
Identifiers: ClinVar variation 5037132 (VCV005037132.1).
Genomic context (GRCh38, chr16:2,514,178, plus strand): 5'-GAGCGGCCCCGAGTATGCTTCGTTTTTCGCCGTCATGGGCGCCTCGGCCGCCATGGTCTT[C>A]AGCGGTGAGCGCGGCGGCGGGAGGGACTCGGGGGCGGGGGCGCGCGCGTTGCTCATGCCC-3'
Protein context (NP_001685.1, residues 15-35): AVMGASAAMV[Phe25Leu]SALGAAYGTA